The following is an entry in ClinVar:

ClinVar aggregate classification (germline): Uncertain significance. Review status: criteria provided, single submitter (1 of 4 stars). 2 submissions from 2 submitters: Uncertain significance (1). 1 of the submissions does not count toward it. Last evaluated 2025-08-17.

Conditions:
RTTN-related disorder. Also called: RTTN-related condition.

Allele frequency attached by ClinVar (database versions not stated): gnomAD 0.00006; ESP Exome Variant Server 0.00008; gnomAD exomes 0.00008; ExAC 0.00011; TOPMed 0.00011; 1000 Genomes Project 30x 0.00016; 1000 Genomes Project 0.00020.
gnomAD v4.1: 122 of 1,589,924 alleles (0.0077%); highest among the groups gnomAD compares: East Asian, 0.016%; no homozygotes.

Submissions (2):

Labcorp Genetics (formerly Invitae), Labcorp
Classification: Uncertain significance. Last evaluated: 2025-08-17. Review status: criteria provided, single submitter. Criteria: Invitae Variant Classification Sherloc (09022015). Collection method: clinical testing. Allele origin: germline.
Comment: This sequence change falls in intron 5 of the RTTN gene. It does not directly change the encoded amino acid sequence of the RTTN protein. It affects a nucleotide within the consensus splice site. This variant is present in population databases (rs375789123, gnomAD 0.05%). This variant has not been reported in the literature in individuals affected with RTTN-related conditions. ClinVar contains an entry for this variant (Variation ID: 2067212). Variants that disrupt the consensus splice site are a relatively common cause of aberrant splicing (PMID: 17576681, 9536098). Algorithms developed to predict the effect of sequence changes on RNA splicing suggest that this variant is not likely to affect RNA splicing. In summary, the available evidence is currently insufficient to determine the role of this variant in disease. Therefore, it has been classified as a Variant of Uncertain Significance.

PreventionGenetics, part of Exact Sciences
Classification: Likely benign for RTTN-related condition. Last evaluated: 2023-12-27. Review status: no assertion criteria provided. Collection method: clinical testing. Allele origin: germline. Not counted in ClinVar's aggregate classification.
Comment: This variant is classified as likely benign based on ACMG/AMP sequence variant interpretation guidelines (Richards et al. 2015 PMID: 25741868, with internal and published modifications).

Literature cited by the submitters: PubMed 17576681 (cited by Labcorp Genetics (formerly Invitae), Labcorp); PubMed 9536098 (cited by Labcorp Genetics (formerly Invitae), Labcorp).

NM_173630.4(RTTN):c.578+4C>T

Gene: RTTN (rotatin; minus strand). Cytogenetic location: 18q22.2.
Variant type: single nucleotide variant.
Coding change: c.578+4C>T on transcript NM_173630.4 (MANE Select); 4 bases into the intron after coding-DNA position 578, C replaced by T.
Molecular consequence: intron variant.
Genome position (GRCh38, 1-based): chr18:70,199,410, G>A on the plus strand (C>T on the coding strand, the complement: RTTN is on the minus strand). VCF-style: chr18-70199410-G-A. GRCh37 (hg19) VCF-style: chr18-67866646-G-A.
Other names: c.-1976+4C>T (NM_001318520.2); c.578+4C>T (NM_173630.3).
Identifiers: ClinVar variation 2067212 (VCV002067212.4), dbSNP rs375789123, ClinGen allele CA8996445.